The following is an entry in ClinVar:

ClinVar aggregate classification (germline): Uncertain significance (1 of 4 stars; one submission).

Conditions:
Inborn genetic diseases. Identifiers: MedGen C0950123, MeSH D030342.

Submission:

Ambry Genetics
Classification: Uncertain significance for Inborn genetic diseases. Last evaluated: 2025-05-31. Review status: criteria provided, single submitter. Criteria: Ambry Variant Classification Scheme 2023. Collection method: clinical testing. Allele origin: germline.
Comment: The p.G272C variant (also known as c.814G>T), located in coding exon 7 of the PAX5 gene, results from a G to T substitution at nucleotide position 814. The glycine at codon 272 is replaced by cysteine, an amino acid with highly dissimilar properties. This amino acid position is conserved. In addition, this alteration is predicted to be deleterious by in silico analysis. Based on the available evidence, the clinical significance of this variant remains unclear.

NM_016734.3(PAX5):c.814G>T (p.Gly272Cys)

Gene: PAX5 (paired box 5; minus strand). Cytogenetic location: 9p13.2.
Variant type: single nucleotide variant.
Coding change: c.814G>T on transcript NM_016734.3 (MANE Select); coding-DNA position 814, G replaced by T.
Protein change: p.Gly272Cys; replaces glycine 272 with cysteine.
Molecular consequence: missense variant. On other transcripts: intron variant (2).
Genome position (GRCh38, 1-based): chr9:36,923,451, C>A on the plus strand (G>T on the coding strand, the complement: PAX5 is on the minus strand). VCF-style: chr9-36923451-C-A. GRCh37 (hg19) VCF-style: chr9-36923448-C-A.
Other names: c.814G>T, p.Gly272Cys (NM_001280547.2, NM_001280548.2, NM_001280552.2); c.490G>T, p.Gly164Cys (NM_001280551.2, NM_001280556.2); c.685G>T, p.Gly229Cys (NM_001280553.2, NM_001280554.2); c.616G>T, p.Gly206Cys (NM_001280555.2); c.780+43098G>T (NM_001280550.2, NM_001280549.2); short protein forms G229C, G272C, G206C, G164C.
Identifiers: ClinVar variation 3928348 (VCV003928348.1).